The following is an entry in ClinVar:

ClinVar aggregate classification (germline): Pathogenic/Likely pathogenic. Review status: criteria provided, multiple submitters, no conflicts (2 of 4 stars). 5 submissions from 5 submitters: Pathogenic (3); Likely pathogenic (1). 1 of the submissions does not count toward it. Last evaluated 2024-12-24.

Conditions:
Inborn genetic diseases. Identifiers: MedGen C0950123, MeSH D030342.
Thrombophilia due to protein C deficiency, autosomal dominant. Also called: PROC DEFICIENCY, AUTOSOMAL DOMINANT; PROTEIN C DEFICIENCY, AUTOSOMAL DOMINANT. Identifiers: Orphanet 745, MedGen C2674321, MONDO:0008316, OMIM 176860. Disease mechanism: loss of function.
Thrombophilia due to protein C deficiency, autosomal recessive. Also called: PROC DEFICIENCY, AUTOSOMAL RECESSIVE; PROTEIN C DEFICIENCY, AUTOSOMAL RECESSIVE. Identifiers: Orphanet 745, MedGen C2676759, MONDO:0012860, OMIM 612304.

Allele frequency attached by ClinVar (database versions not stated): gnomAD exomes 0.00001 and below 0.00001; gnomAD 0.00002.
gnomAD v4.1: 13 of 1,613,844 alleles (0.00081%); highest among the groups gnomAD compares: East Asian, 0.0067%; no homozygotes.

Submissions (5):

Labcorp Genetics (formerly Invitae), Labcorp
Classification: Pathogenic for Thrombophilia due to protein C deficiency, autosomal dominant. Last evaluated: 2024-12-24. Review status: criteria provided, single submitter. Criteria: Invitae Variant Classification Sherloc (09022015). Collection method: clinical testing. Allele origin: germline.
Comment: This sequence change replaces valine, which is neutral and non-polar, with methionine, which is neutral and non-polar, at codon 339 of the PROC protein (p.Val339Met). This variant is present in population databases (rs121918158, gnomAD 0.002%). This missense change has been observed in individual(s) with PROC-related conditions (PMID: 7670104, 25712501, 27081530). In at least one individual the data is consistent with being in trans (on the opposite chromosome) from a pathogenic variant. It has also been observed to segregate with disease in related individuals. This variant is also known as p.Val297Met. ClinVar contains an entry for this variant (Variation ID: 677). Invitae Evidence Modeling of protein sequence and biophysical properties (such as structural, functional, and spatial information, amino acid conservation, physicochemical variation, residue mobility, and thermodynamic stability) indicates that this missense variant is expected to disrupt PROC protein function with a positive predictive value of 80%. For these reasons, this variant has been classified as Pathogenic.

Ambry Genetics
Classification: Pathogenic for Inborn genetic diseases. Last evaluated: 2019-10-16. Review status: criteria provided, single submitter. Criteria: Ambry exome assertion method (8-5-2015). Collection method: clinical testing. Allele origin: germline. Affected: yes. Observed: 1 variant allele.

Revvity Omics, Revvity
Classification: Pathogenic. Last evaluated: 2019-08-24. Review status: criteria provided, single submitter. Criteria: ACMG Guidelines, 2015. Collection method: clinical testing. Allele origin: germline.

Juno Genomics, Hangzhou Juno Genomics, Inc
Classification: Likely pathogenic for Thrombophilia due to protein C deficiency, autosomal dominant; Thrombophilia due to protein C deficiency, autosomal recessive. Review status: criteria provided, single submitter. Criteria: ACMG Guidelines, 2015. Collection method: clinical testing. Allele origin: germline.
Comment: Absent from controls (or at extremely low frequency if recessive) in Genome Aggregation Database.;Multiple lines of computational evidence support a deleterious effect on the gene or gene product.;For recessive disorders, detected in trans with a pathogenic variant.;The prevalence of the variant in affected individuals is significantly increased compared to the prevalence in controls.;Patient's phenotype or family history is highly specific for a disease with a single genetic etiology.

OMIM
Classification: Pathogenic for THROMBOPHILIA DUE TO PROTEIN C DEFICIENCY, AUTOSOMAL DOMINANT. Last evaluated: 1993-08-01. Review status: no assertion criteria provided. Collection method: literature only. Allele origin: germline. Not counted in ClinVar's aggregate classification.

Literature cited by the submitters: PubMed 7670104 (cited by Labcorp Genetics (formerly Invitae), Labcorp); PubMed 25712501 (cited by Labcorp Genetics (formerly Invitae), Labcorp and Ambry Genetics); PubMed 27081530 (cited by Labcorp Genetics (formerly Invitae), Labcorp and Ambry Genetics); PubMed 18954896 (cited by Ambry Genetics); PubMed 21621249 (cited by Ambry Genetics); PubMed 28111891 (cited by Ambry Genetics); PubMed 8218861 (cited by OMIM).

NM_000312.4(PROC):c.1015G>A (p.Val339Met)

Gene: PROC (protein C, inactivator of coagulation factors Va and VIIIa; plus strand). Cytogenetic location: 2q14.3.
Variant type: single nucleotide variant.
Coding change: c.1015G>A on transcript NM_000312.4 (MANE Select); coding-DNA position 1015, G replaced by A.
Protein change: p.Val339Met; replaces valine 339 with methionine.
Molecular consequence: missense variant.
Genome position (GRCh38, 1-based): chr2:127,428,575, G>A. VCF-style: chr2-127428575-G-A. GRCh37 (hg19) VCF-style: chr2-128186151-G-A.
Other names: V297M; c.1198G>A, p.Val400Met (NM_001375602.1); c.1180G>A, p.Val394Met (NM_001375603.1); c.1078G>A, p.Val360Met (NM_001375604.1); c.1117G>A, p.Val373Met (NM_001375605.1); c.1183G>A, p.Val395Met (NM_001375606.1); c.1201G>A, p.Val401Met (NM_001375607.1); c.958G>A, p.Val320Met (NM_001375608.1); and 3 more; short protein forms V339M, V320M, V331M, V337M, V360M, V373M, V394M, V395M.
Identifiers: ClinVar variation 677 (VCV000000677.13), dbSNP rs121918158, ClinGen allele CA114425.